The following is an entry in ClinVar:

ClinVar aggregate classification (germline): Likely benign (1 of 4 stars; one submission).

Allele frequency attached by ClinVar (database versions not stated): gnomAD exomes below 0.00001.
gnomAD v4.1: 1 of 1,613,186 alleles (0.000062%); highest among the groups gnomAD compares: Non-Finnish European, 0.000085%; no homozygotes.

Submission:

CeGaT Center for Human Genetics Tuebingen
Classification: Likely benign. Last evaluated: 2026-04-01. Review status: criteria provided, single submitter. Criteria: CeGaT Center For Human Genetics Tuebingen Variant Classification Criteria Version 2. Collection method: clinical testing. Allele origin: germline. Affected: yes. Observed: 2 variant alleles.
Comment: ZFHX4: BP4, BP7

NM_024721.5(ZFHX4):c.9912C>A (p.Pro3304=)

Gene: ZFHX4 (zinc finger homeobox 4; plus strand). Cytogenetic location: 8q21.13.
Variant type: single nucleotide variant.
Coding change: c.9912C>A on transcript NM_024721.5 (MANE Select); coding-DNA position 9912, C replaced by A.
Protein change: p.Pro3304=; no amino-acid change (proline 3304 retained).
Molecular consequence: synonymous variant.
Genome position (GRCh38, 1-based): chr8:76,863,626, C>A. VCF-style: chr8-76863626-C-A. GRCh37 (hg19) VCF-style: chr8-77775862-C-A.
Other names: c.9834C>A, p.Pro3278= (NM_001410934.1).
Identifiers: ClinVar variation 3234335 (VCV003234335.20), dbSNP rs2536412483, ClinGen allele CA461770582.